The following is an entry in ClinVar:

ClinVar aggregate classification (germline): Conflicting classifications of pathogenicity. Review status: criteria provided, conflicting classifications (1 of 4 stars). 9 submissions from 9 submitters: Uncertain significance (3); Likely benign (3). 3 of the submissions do not count toward it. Last evaluated 2026-04-27.

Conditions:
NEBL-related disorder. Also called: NEBL-related condition.
Cardiovascular phenotype. Identifiers: MedGen CN230736.
Primary dilated cardiomyopathy (DCM). Also called: Dilated Cardiomyopathy. Identifiers: Orphanet 217604, MedGen C0007193, MeSH D002311, MONDO:0005021, HP:0001644. Inheritance: Various modes of inheritance.

Allele frequency attached by ClinVar (database versions not stated): 1000 Genomes Project 0.00040; 1000 Genomes Project 30x 0.00047; TOPMed 0.00112; ESP Exome Variant Server 0.00131.
gnomAD v4.1: 318 of 1,561,152 alleles (0.02%); highest among the groups gnomAD compares: African/African-American, 0.33%; 1 homozygote.

Submissions (9):

Clinical Genomics Laboratory, Washington University in St. Louis
Classification: Uncertain significance. Last evaluated: 2026-04-27. Review status: criteria provided, single submitter. Criteria: ACMG Guidelines, 2015. Collection method: clinical testing. Allele origin: germline.
Comment: A NEBL c.1775C>A (p.Ala592Glu) variant was identified in a heterozygous state. This variant has been reported in several individuals affected with cardiomyopathy (Maiellaro-Rafferty K et al., PMID: 23632046; Perrot A et al., PMID: 27186169; Nouhravesh N et al., PMID: 27896284; Medeiros-Domingo A et al., PMID: 27194543). It has been reported in the ClinVar database as a germline likely benign variant by several submitters, and germline variant of uncertain significance by two submitters (Variation ID: 45485). This variant is observed in 105/281,230 alleles in the general population (gnomAD v2.1.1). Computational predictors suggest that the variant does not impact NEBL function. The clinical significance of this variant is uncertain.

Labcorp Genetics (formerly Invitae), Labcorp
Classification: Likely benign for Primary dilated cardiomyopathy. Last evaluated: 2026-02-01. Review status: criteria provided, single submitter. Criteria: Invitae Variant Classification Sherloc (09022015). Collection method: clinical testing. Allele origin: germline.

GeneDx
Classification: Uncertain significance. Last evaluated: 2025-11-18. Review status: criteria provided, single submitter. Criteria: GeneDx Variant Classification Process June 2021. Collection method: clinical testing. Allele origin: germline. Affected: yes.
Comment: Mouse models harboring the p.(A592E) variant exhibited DCM and impaired cardiac function (PMID: 20951326, 23632046); In silico analysis suggests that this missense variant does not alter protein structure/function; Variants in candidate genes are classified as variants of uncertain significance in accordance with ACMG guidelines (PMID: 25741868); This variant is associated with the following publications: (PMID: 23299917, 23632046, 25525159, 27186169, 27896284, 25987543, 27733623, 21430528, 33861145, 26321576, 27194543, 20951326, 34797172)

Women's Health and Genetics/Laboratory Corporation of America, LabCorp
Classification: Likely benign. Last evaluated: 2025-10-05. Review status: criteria provided, single submitter. Criteria: LabCorp Variant Classification Summary - May 2015. Collection method: clinical testing. Allele origin: germline.

Laboratory for Molecular Medicine, Mass General Brigham Personalized Medicine
Classification: Likely benign. Last evaluated: 2016-11-17. Review status: criteria provided, single submitter. Criteria: LMM Criteria. Collection method: clinical testing. Allele origin: germline. Observed: 2 variant alleles.
Comment: p.Ala592Glu in exon 17 of NEBL: This variant is not expected to have clinical si gnificance because it has been identified in 0.3% (28/10104) of African chromoso mes by the Exome Aggregation Consortium (ExAC; d bSNP rs146275785).

Ambry Genetics
Classification: Uncertain significance for Cardiovascular phenotype. Last evaluated: 2013-07-18. Review status: criteria provided, single submitter. Criteria: Ambry Autosomal Dominant and X-Linked criteria (10/2015). Collection method: clinical testing. Allele origin: germline. Observed: 1 variant allele.
Comment: The p.A592E variant (also known as c.1775C>A) is located in coding exon 17 of the NEBL gene. This alteration results from a C to A substitution at nucleotide position 1775, which is the second to last nucleotide position in exon 17. The alanine at codon 592 is replaced by glutamate, an amino acid with dissimilar properties. The authors describe p.A592E transgenic mice (A592E-Tg), which displayed signs of DCM. By 6 months of age, the A592E-Tg mice displayed significantly decreased running distances compared to transgenic-wild type (WT-Tg) and non-transgenic mice (non-Tg) (p < 0.01). Significant fractional shortening was observed in A592E-Tg mice compared to non-TG and WT-Tg mice (p < 0.05). Significant dilatation of the left ventricle was also observed in A592E-Tg mice. In addition, Z-disk-associated proteins appeared to be downregulated and more disrupted in A592E-Tg hearts upon protein expression assays (Purevjav et al. 2010 JACC 56(18):1493-502).This variant was previously reported in the SNPDatabase as rs146275785. Based on data from the NHLBI Exome Sequencing Project (ESP), the A-allele has an overall frequency of approximately 0.13% (17/13004), having been observed in 0.36% (13/4406) of African American alleles, and in 0.01% (1/8598) of European American alleles studied. Based on data from the 1000 Genomes Project, the A-allele has an overall frequency of approximately 0.05% (1/2184). The highest observed frequency was 0.57% (1/176) of Yoruban West African chromosomes studied. Based on nucleotide alignment in available species, this nucleotide position is poorly conserved. Based on protein sequence alignment in available, this amino acid position is poorly conserved. Using the BDGP and ESEfinder splice site prediction tools, this alteration does not have any significant effect on the native acceptor splice site; however, direct evidence is unavailable. Based on the majority of available evidence to date, this variant is unlikely to be pathogenic. In addition, this alteration is predicted to be tolerated by in silico analysis. Since supporting evidence for this variant is conflicting at this time, the clinical significance remains unclear.

PreventionGenetics, part of Exact Sciences
Classification: Likely benign for NEBL-related condition. Last evaluated: 2023-06-16. Review status: no assertion criteria provided. Collection method: clinical testing. Allele origin: germline. Not counted in ClinVar's aggregate classification.
Comment: This variant is classified as likely benign based on ACMG/AMP sequence variant interpretation guidelines (Richards et al. 2015 PMID: 25741868, with internal and published modifications).

Clinical Genetics DNA and cytogenetics Diagnostics Lab, Erasmus MC, Erasmus Medical Center
Classification: Likely benign. Review status: no assertion criteria provided. Collection method: clinical testing. Allele origin: germline. Affected: yes. Study: VKGL Data-share Consensus. Not counted in ClinVar's aggregate classification.

Genome Diagnostics Laboratory, University Medical Center Utrecht
Classification: Likely benign. Review status: no assertion criteria provided. Collection method: clinical testing. Allele origin: germline. Affected: yes. Study: VKGL Data-share Consensus. Not counted in ClinVar's aggregate classification.

NM_006393.3(NEBL):c.1775C>A (p.Ala592Glu)

Gene: NEBL (nebulette; minus strand). Cytogenetic location: 10p12.31.
Variant type: single nucleotide variant.
Coding change: c.1775C>A on transcript NM_006393.3 (MANE Select); coding-DNA position 1775, C replaced by A.
Protein change: p.Ala592Glu; replaces alanine 592 with glutamic acid.
Molecular consequence: missense variant. On other transcripts: intron variant (9).
Genome position (GRCh38, 1-based): chr10:20,828,531, G>T on the plus strand (C>A on the coding strand, the complement: NEBL is on the minus strand). VCF-style: chr10-20828531-G-T. GRCh37 (hg19) VCF-style: chr10-21117460-G-T.
Other names: p.A592E:GCG>GAG; c.250-15591C>A (NM_001377326.1, NM_001377327.1, NM_001377328.1); c.358-15591C>A (NM_213569.2, NM_001173484.2, NM_001377322.1); c.301-15591C>A (NM_001377324.1); c.292-15591C>A (NM_001377325.1); c.310-15591C>A (NM_001377323.1); short protein forms A592E.
Identifiers: ClinVar variation 45485 (VCV000045485.31), dbSNP rs146275785, ClinGen allele CA090973.